The following is an entry in ClinVar:

NM_001278116.2(L1CAM):c.2593_2594del (p.His865fs)

Gene: L1CAM (L1 cell adhesion molecule; minus strand). Cytogenetic location: Xq28.
Variant type: Deletion.
Coding change: c.2593_2594del on transcript NM_001278116.2 (MANE Select); coding-DNA positions 2593 to 2594, 2 bases deleted (CA; older notation c.2593_2594delCA).
Protein change: p.His865fs; shifts the reading frame from histidine 865.
Molecular consequence: frameshift variant.
Genome position (GRCh38, 1-based): chrX:153,865,454-153,865,455, TG deleted on the plus strand (CA on the coding strand, the reverse complement: L1CAM is on the minus strand); deleting any 2 consecutive bases within chrX:153,865,454-153,865,456 gives the same sequence; the c. name uses the placement nearest the transcript's 3' end. VCF-style (leftmost placement, unchanged base first): chrX-153865453-ATG-A. GRCh37 (hg19) VCF-style: chrX-153130908-ATG-A.
Other names: c.2593_2594del, p.His865fs (NM_000425.5, NM_024003.3); c.2578_2579del, p.His860fs (NM_001143963.2); short protein forms H860fs, H865fs.
Identifiers: ClinVar variation 817222 (VCV000817222.1), dbSNP rs1603274308, ClinGen allele CA915952059.

ClinVar aggregate classification (germline): Pathogenic (1 of 4 stars; one submission).

Submission:

GeneDx
Classification: Pathogenic. Last evaluated: 2018-09-07. Review status: criteria provided, single submitter. Criteria: GeneDx Variant Classification (06012015). Collection method: clinical testing. Allele origin: germline. Affected: yes.
Comment: The c.2593_2594delCA variant has not been reported previously to our knowledge. It causes a frameshift starting with codon Histidine 865, changes this amino acid to a Tyrosine residue and creates a premature Stop codon at position 24 of the new reading frame, denoted p.His865TyrfsX24. This pathogenic variant is predicted to cause loss of normal protein function either through protein truncation or nonsense-mediated mRNA decay. The variant is not observed in large population cohorts (Lek et al., 2016). We consider this variant to be pathogenic.